The following is an entry in ClinVar:

NM_130384.3(ATRIP):c.2116G>A (p.Gly706Arg)

Genes: ATRIP (ATR interacting protein; plus strand), ATRIP-TREX1 (ATRIP-TREX1 readthrough; plus strand). Cytogenetic location: 3p21.31.
Variant type: single nucleotide variant.
Coding change: c.2116G>A on transcript NM_130384.3 (MANE Select); coding-DNA position 2116, G replaced by A.
Protein change: p.Gly706Arg; replaces glycine 706 with arginine.
Molecular consequence: missense variant. On other transcripts: non-coding transcript variant (1).
Genome position (GRCh38, 1-based): chr3:48,464,891, G>A. VCF-style: chr3-48464891-G-A. GRCh37 (hg19) VCF-style: chr3-48506290-G-A.
Other names: c.1735G>A, p.Gly579Arg (NM_001271022.2); c.1837G>A, p.Gly613Arg (NM_001271023.2); c.2035G>A, p.Gly679Arg (NM_032166.4); short protein forms G579R, G679R, G613R, G706R.
Identifiers: ClinVar variation 5032403 (VCV005032403.1).

ClinVar aggregate classification (germline): Uncertain significance (1 of 4 stars; one submission).

gnomAD v4.1: 3 of 1,613,986 alleles (0.00019%); highest among the groups gnomAD compares: South Asian, 0.0033%; no homozygotes.

Submission:

Ambry Genetics
Classification: Uncertain significance. Last evaluated: 2026-06-16. Review status: criteria provided, single submitter. Criteria: Ambry Variant Classification Scheme 2023. Collection method: clinical testing. Allele origin: germline.
Comment: The p.G706R variant (also known as c.2116G>A), located in coding exon 12 of the ATRIP gene, results from a G to A substitution at nucleotide position 2116. The glycine at codon 706 is replaced by arginine, an amino acid with dissimilar properties. This amino acid position is conserved. In addition, this alteration is predicted to be tolerated by in silico analysis. Based on the available evidence, the clinical significance of this variant remains unclear.